The following is an entry in ClinVar:

NM_000329.3(RPE65):c.1424A>C (p.His475Pro)

Gene: RPE65 (retinoid isomerohydrolase RPE65; minus strand). Cytogenetic location: 1p31.3.
Variant type: single nucleotide variant.
Coding change: c.1424A>C on transcript NM_000329.3 (MANE Select); coding-DNA position 1424, A replaced by C.
Protein change: p.His475Pro; replaces histidine 475 with proline.
Molecular consequence: missense variant.
Genome position (GRCh38, 1-based): chr1:68,431,091, T>G on the plus strand (A>C on the coding strand, the complement: RPE65 is on the minus strand). VCF-style: chr1-68431091-T-G. GRCh37 (hg19) VCF-style: chr1-68896774-T-G.
Other names: short protein forms H475P.
Identifiers: ClinVar variation 1490641 (VCV001490641.8), dbSNP rs2100806867, ClinGen allele CA340741817.

ClinVar aggregate classification (germline): Uncertain significance (1 of 4 stars; one submission).

Conditions:
Retinitis pigmentosa 20 (RP20). Identifiers: Orphanet 791, MedGen C3151086, MONDO:0013425, OMIM 613794.
Leber congenital amaurosis 2 (LCA2). Also called: AMAUROSIS CONGENITA OF LEBER II; Autosomal Recessive RPE65-Related Retinal Degeneration. Identifiers: Orphanet 65, MedGen C1859844, MONDO:0008765, OMIM 204100. Disease mechanism: loss of function.

Allele frequency attached by ClinVar (database versions not stated): gnomAD exomes below 0.00001.
gnomAD v4.1: 1 of 1,613,780 alleles (0.000062%); highest among the groups gnomAD compares: Non-Finnish European, 0.000085%; no homozygotes.

Submission:

Labcorp Genetics (formerly Invitae), Labcorp
Classification: Uncertain significance for Leber congenital amaurosis 2; Retinitis pigmentosa 20. Last evaluated: 2021-02-14. Review status: criteria provided, single submitter. Criteria: Invitae Variant Classification Sherloc (09022015). Collection method: clinical testing. Allele origin: germline.
Comment: This sequence change replaces histidine with proline at codon 475 of the RPE65 protein (p.His475Pro). The histidine residue is moderately conserved and there is a moderate physicochemical difference between histidine and proline. This variant is not present in population databases (ExAC no frequency). In summary, the available evidence is currently insufficient to determine the role of this variant in disease. Therefore, it has been classified as a Variant of Uncertain Significance. Advanced modeling of protein sequence and biophysical properties (such as structural, functional, and spatial information, amino acid conservation, physicochemical variation, residue mobility, and thermodynamic stability) performed at Invitae indicates that this missense variant is expected to disrupt RPE65 protein function. This variant has not been reported in the literature in individuals with RPE65-related conditions.